The following is an entry in ClinVar:

ClinVar aggregate classification (germline): Likely benign. Review status: criteria provided, single submitter (1 of 4 stars). 2 submissions from 2 submitters: Likely benign (1). 1 of the submissions does not count toward it. Last evaluated 2023-03-01.

Conditions:
WDFY3-related disorder.

Allele frequency attached by ClinVar (database versions not stated): ExAC 0.00015; gnomAD 0.00017; ESP Exome Variant Server 0.00038; TOPMed 0.00020; gnomAD exomes 0.00031.
gnomAD v4.1: 466 of 1,606,718 alleles (0.029%); highest among the groups gnomAD compares: Non-Finnish European, 0.038%; no homozygotes.

Submissions (2):

CeGaT Center for Human Genetics Tuebingen
Classification: Likely benign. Last evaluated: 2023-03-01. Review status: criteria provided, single submitter. Criteria: CeGaT Center For Human Genetics Tuebingen Variant Classification Criteria Version 2. Collection method: clinical testing. Allele origin: germline. Affected: yes. Observed: 1 variant allele.
Comment: WDFY3: BP4, BP7

PreventionGenetics, part of Exact Sciences
Classification: Likely benign for WDFY3-related condition. Last evaluated: 2019-08-05. Review status: no assertion criteria provided. Collection method: clinical testing. Allele origin: germline. Not counted in ClinVar's aggregate classification.
Comment: This variant is classified as likely benign based on ACMG/AMP sequence variant interpretation guidelines (Richards et al. 2015 PMID: 25741868, with internal and published modifications).

NM_014991.6(WDFY3):c.795T>G (p.Val265=)

Gene: WDFY3 (WD repeat and FYVE domain containing 3; minus strand). Cytogenetic location: 4q21.23.
Variant type: single nucleotide variant.
Coding change: c.795T>G on transcript NM_014991.6 (MANE Select); coding-DNA position 795, T replaced by G.
Protein change: p.Val265=; no amino-acid change (valine 265 retained).
Molecular consequence: synonymous variant.
Genome position (GRCh38, 1-based): chr4:84,829,165, A>C on the plus strand (T>G on the coding strand, the complement: WDFY3 is on the minus strand). VCF-style: chr4-84829165-A-C. GRCh37 (hg19) VCF-style: chr4-85750318-A-C.
Other names: c.795T>G (NM_014991.4).
Identifiers: ClinVar variation 2654886 (VCV002654886.25), dbSNP rs142307862, ClinGen allele CA2994085.